The following is an entry in ClinVar:

NM_001385012.1(NBEA):c.791G>A (p.Arg264His)

Gene: NBEA (neurobeachin; plus strand). Cytogenetic location: 13q13.3.
Variant type: single nucleotide variant.
Coding change: c.791G>A on transcript NM_001385012.1 (MANE Select); coding-DNA position 791, G replaced by A.
Protein change: p.Arg264His; replaces arginine 264 with histidine.
Molecular consequence: missense variant.
Genome position (GRCh38, 1-based): chr13:35,048,630, G>A. VCF-style: chr13-35048630-G-A. GRCh37 (hg19) VCF-style: chr13-35622767-G-A.
Other names: c.791G>A, p.Arg264His (NM_001379245.1, NM_015678.5); short protein forms R264H.
Identifiers: ClinVar variation 3364763 (VCV003364763.2).

ClinVar aggregate classification (germline): Uncertain significance. Review status: criteria provided, multiple submitters, no conflicts (2 of 4 stars). 2 submissions from 2 submitters: Uncertain significance (2). Last evaluated 2023-12-07.

gnomAD v4.1: 4 of 1,509,754 alleles (0.00026%); highest among the groups gnomAD compares: Non-Finnish European, 0.00037%; no homozygotes.

Submissions (2):

GeneDx
Classification: Uncertain significance. Last evaluated: 2023-12-07. Review status: criteria provided, single submitter. Criteria: GeneDx Variant Classification Process June 2021. Collection method: clinical testing. Allele origin: germline. Affected: yes.
Comment: Not observed at significant frequency in large population cohorts (gnomAD); In silico analysis supports that this missense variant has a deleterious effect on protein structure/function; Has not been previously published as pathogenic or benign to our knowledge

Blueprint Genetics
Classification: Uncertain significance. Last evaluated: 2021-06-16. Review status: criteria provided, single submitter. Criteria: ACMG Guidelines, 2015. Collection method: clinical testing. Allele origin: germline.